The following is an entry in ClinVar:

NM_018417.6(ADCY10):c.4531C>A (p.Pro1511Thr)

Gene: ADCY10 (adenylate cyclase 10; minus strand). Cytogenetic location: 1q24.2.
Variant type: single nucleotide variant.
Coding change: c.4531C>A on transcript NM_018417.6 (MANE Select); coding-DNA position 4531, C replaced by A.
Protein change: p.Pro1511Thr; replaces proline 1511 with threonine.
Molecular consequence: missense variant.
Genome position (GRCh38, 1-based): chr1:167,810,865, G>T on the plus strand (C>A on the coding strand, the complement: ADCY10 is on the minus strand). VCF-style: chr1-167810865-G-T. GRCh37 (hg19) VCF-style: chr1-167780102-G-T.
Other names: c.4072C>A, p.Pro1358Thr (NM_001167749.3); c.4255C>A, p.Pro1419Thr (NM_001297772.2); short protein forms P1419T, P1358T, P1511T.
Identifiers: ClinVar variation 2762833 (VCV002762833.3), dbSNP rs1297291684, ClinGen allele CA343093271.

ClinVar aggregate classification (germline): Uncertain significance (1 of 4 stars; one submission).

Submission:

Labcorp Genetics (formerly Invitae), Labcorp
Classification: Uncertain significance. Last evaluated: 2023-09-22. Review status: criteria provided, single submitter. Criteria: Invitae Variant Classification Sherloc (09022015). Collection method: clinical testing. Allele origin: germline.
Comment: This variant is not present in population databases (gnomAD no frequency). This sequence change replaces proline, which is neutral and non-polar, with threonine, which is neutral and polar, at codon 1511 of the ADCY10 protein (p.Pro1511Thr). This variant has not been reported in the literature in individuals affected with ADCY10-related conditions. In summary, the available evidence is currently insufficient to determine the role of this variant in disease. Therefore, it has been classified as a Variant of Uncertain Significance. An algorithm developed to predict the effect of missense changes on protein structure and function (PolyPhen-2) suggests that this variant is likely to be disruptive.